The following is an entry in ClinVar:

NM_152328.5(ADSS1):c.194G>A (p.Gly65Glu)

Gene: ADSS1 (adenylosuccinate synthase 1; plus strand). Cytogenetic location: 14q32.33.
Variant type: single nucleotide variant.
Coding change: c.194G>A on transcript NM_152328.5 (MANE Select); coding-DNA position 194, G replaced by A.
Protein change: p.Gly65Glu; replaces glycine 65 with glutamic acid.
Molecular consequence: missense variant. On other transcripts: 5 prime UTR variant (1).
Genome position (GRCh38, 1-based): chr14:104,735,021, G>A. VCF-style: chr14-104735021-G-A. GRCh37 (hg19) VCF-style: chr14-105201358-G-A.
Other names: c.-405G>A (NM_001320424.1); c.323G>A, p.Gly108Glu (NM_199165.2); short protein forms G108E, G65E.
Identifiers: ClinVar variation 3091265 (VCV003091265.4), dbSNP rs1289271542, ClinGen allele CA391235308.

ClinVar aggregate classification (germline): Uncertain significance. Review status: criteria provided, multiple submitters, no conflicts (2 of 4 stars). 2 submissions from 2 submitters: Uncertain significance (2). Last evaluated 2026-03-09.

Conditions:
Inborn genetic diseases. Identifiers: MedGen C0950123, MeSH D030342.

Allele frequency attached by ClinVar (database versions not stated): gnomAD 0.00001; TOPMed 0.00002.
gnomAD v4.1: 4 of 1,612,554 alleles (0.00025%); highest among the groups gnomAD compares: African/African-American, 0.004%; no homozygotes.

Submissions (2):

Ambry Genetics
Classification: Uncertain significance for Inborn genetic diseases. Last evaluated: 2026-03-09. Review status: criteria provided, single submitter. Criteria: Ambry Variant Classification Scheme 2023. Collection method: clinical testing. Allele origin: germline.

Labcorp Genetics (formerly Invitae), Labcorp
Classification: Uncertain significance. Last evaluated: 2024-04-25. Review status: criteria provided, single submitter. Criteria: Invitae Variant Classification Sherloc (09022015). Collection method: clinical testing. Allele origin: germline.
Comment: This sequence change replaces glycine, which is neutral and non-polar, with glutamic acid, which is acidic and polar, at codon 108 of the ADSSL1 protein (p.Gly108Glu). This variant is present in population databases (no rsID available, gnomAD 0.004%). This variant has not been reported in the literature in individuals affected with ADSSL1-related conditions. An algorithm developed to predict the effect of missense changes on protein structure and function (PolyPhen-2) suggests that this variant is likely to be disruptive. In summary, the available evidence is currently insufficient to determine the role of this variant in disease. Therefore, it has been classified as a Variant of Uncertain Significance.